The following is an entry in ClinVar:

NM_153676.4(USH1C):c.1000C>T (p.Gln334Ter)

Gene: USH1C (USH1 protein network component harmonin; minus strand). Cytogenetic location: 11p15.1.
Variant type: single nucleotide variant.
Coding change: c.1000C>T on transcript NM_153676.4 (MANE Select); coding-DNA position 1000, C replaced by T.
Protein change: p.Gln334Ter; replaces glutamine 334 with a stop codon.
Molecular consequence: nonsense. On other transcripts: non-coding transcript variant (1).
Genome position (GRCh38, 1-based): chr11:17,522,803, G>A on the plus strand (C>T on the coding strand, the complement: USH1C is on the minus strand). VCF-style: chr11-17522803-G-A. GRCh37 (hg19) VCF-style: chr11-17544350-G-A.
Other names: c.943C>T, p.Gln315Ter (NM_001297764.2); c.1000C>T, p.Gln334Ter (NM_005709.4); short protein forms Q315*, Q334*.
Identifiers: ClinVar variation 2679429 (VCV002679429.2), dbSNP rs935876011, ClinGen allele CA379786965.
Genomic context (GRCh38, chr11:17,522,803, plus strand): 5'-GTGGGAGGCGGGACAGGGCATCCAGGGCTGGCTGCACTCACTGCCGCTCCATCTCCTGCT[G>A]CTCCTGGAGGATCTTGTTGGACTCCATCGCCAGCCGCTTCTGCATGAGAAGCTCCTGCCG-3'

ClinVar aggregate classification (germline): Pathogenic/Likely pathogenic. Review status: criteria provided, multiple submitters, no conflicts (2 of 4 stars). 2 submissions from 2 submitters: Pathogenic (1); Likely pathogenic (1). Last evaluated 2024-02-08.

Conditions:
Usher syndrome type 1C. Also called: USHER SYNDROME, TYPE I, ACADIAN VARIETY. Identifiers: Orphanet 231169, Orphanet 886, MedGen C1848604, MONDO:0010171, OMIM 276904.
Autosomal recessive nonsyndromic hearing loss 18A. Also called: DEAFNESS, AUTOSOMAL RECESSIVE 18; Deafness, autosomal recessive 18A. Identifiers: Orphanet 90636, MedGen C1865870, MONDO:0011192, OMIM 602092.

Submissions (2):

Myriad Genetics, Inc.
Classification: Pathogenic for Usher syndrome type 1C. Last evaluated: 2024-02-08. Review status: criteria provided, single submitter. Criteria: Myriad Autosomal Dominant, Autosomal Recessive and X-Linked Classification Criteria (2023). Collection method: clinical testing. Allele origin: unknown.
Comment: NM_005709.3(USH1C):c.1000C>T(Q334*) is expected to be pathogenic in the context of USH1C-related disorders. This variant is predicted to lead to an abnormal or absent protein product due to the creation of a premature termination codon in USH1C, a gene where loss-of-function variants are known to be pathogenic. Please note: this variant was assessed in the context of healthy population screening.

Baylor Genetics
Classification: Likely pathogenic for Autosomal recessive nonsyndromic hearing loss 18A. Last evaluated: 2023-02-09. Review status: criteria provided, single submitter. Criteria: ACMG Guidelines, 2015. Collection method: clinical testing. Allele origin: unknown.